The following is an entry in ClinVar:

ClinVar aggregate classification (germline): Uncertain significance (1 of 4 stars; one submission).

Conditions:
Long QT syndrome (LQTS). Identifiers: MedGen C0023976, MeSH D008133, MONDO:0002442. Disease mechanism: loss of function. Inheritance: Various modes of inheritance.

Allele frequency attached by ClinVar (database versions not stated): gnomAD exomes below 0.00001.
gnomAD v4.1: 2 of 1,614,246 alleles (0.00012%); highest among the groups gnomAD compares: Non-Finnish European, 0.00017%; no homozygotes.

Submission:

Labcorp Genetics (formerly Invitae), Labcorp
Classification: Uncertain significance for Long QT syndrome. Last evaluated: 2023-08-04. Review status: criteria provided, single submitter. Criteria: Invitae Variant Classification Sherloc (09022015). Collection method: clinical testing. Allele origin: germline.
Comment: In summary, the available evidence is currently insufficient to determine the role of this variant in disease. Therefore, it has been classified as a Variant of Uncertain Significance. An algorithm developed to predict the effect of missense changes on protein structure and function (PolyPhen-2) suggests that this variant is likely to be tolerated. ClinVar contains an entry for this variant (Variation ID: 1945272). This variant has not been reported in the literature in individuals affected with KCNH2-related conditions. This variant is not present in population databases (gnomAD no frequency). This sequence change replaces histidine, which is basic and polar, with tyrosine, which is neutral and polar, at codon 578 of the KCNH2 protein (p.His578Tyr).

NM_000238.4(KCNH2):c.1732C>T (p.His578Tyr)

Gene: KCNH2 (potassium voltage-gated channel subfamily H member 2; minus strand). Cytogenetic location: 7q36.1.
Variant type: single nucleotide variant.
Coding change: c.1732C>T on transcript NM_000238.4 (MANE Select); coding-DNA position 1732, C replaced by T.
Protein change: p.His578Tyr; replaces histidine 578 with tyrosine.
Molecular consequence: missense variant.
Genome position (GRCh38, 1-based): chr7:150,951,661, G>A on the plus strand (C>T on the coding strand, the complement: KCNH2 is on the minus strand). VCF-style: chr7-150951661-G-A. GRCh37 (hg19) VCF-style: chr7-150648749-G-A.
Other names: c.712C>T, p.His238Tyr (NM_001204798.2, NM_172057.3); c.1444C>T, p.His482Tyr (NM_001406753.1, NM_001406756.1); c.1555C>T, p.His519Tyr (NM_001406755.1); c.1432C>T, p.His478Tyr (NM_001406757.1); c.1732C>T, p.His578Tyr (NM_172056.3); short protein forms H478Y, H238Y, H519Y, H482Y, H578Y.
Identifiers: ClinVar variation 1945272 (VCV001945272.5), dbSNP rs1001586885, ClinGen allele CA169076809.
Genomic context (GRCh38, chr7:150,951,661, plus strand): 5'-TGTAGGGTTTGCCTATCTGGTCGCCCAGGTTGTGCAGCCAGCCGATGCGTGAGTCCATGT[G>A]TGGCTGCTCCATGTTGCCGATGGCGTACCAGATGCAGGCTAGCCAGTGCGCGATGAGCGC-3'
Protein context (NP_000229.1, residues 568-588): WYAIGNMEQP[His578Tyr]MDSRIGWLHN